The following is an entry in ClinVar:

NM_006767.4(LZTR1):c.400+2T>C

Gene: LZTR1 (leucine zipper like post translational regulator 1; plus strand). Cytogenetic location: 22q11.21.
Variant type: single nucleotide variant.
Coding change: c.400+2T>C on transcript NM_006767.4 (MANE Select); the canonical splice donor site of the intron after coding-DNA position 400, T replaced by C.
Molecular consequence: splice donor variant.
Genome position (GRCh38, 1-based): chr22:20,987,585, T>C. VCF-style: chr22-20987585-T-C. GRCh37 (hg19) VCF-style: chr22-21341874-T-C.
Identifiers: ClinVar variation 3869321 (VCV003869321.1).

ClinVar aggregate classification (germline): Likely pathogenic (1 of 4 stars; one submission).

Conditions:
Cardiovascular phenotype. Identifiers: MedGen CN230736.
Hereditary cancer-predisposing syndrome. Also called: Tumor predisposition; Neoplastic Syndromes, Hereditary; Hereditary Cancer Syndrome; Hereditary neoplastic syndrome. Identifiers: Orphanet 140162, MedGen C0027672, MeSH D009386, MONDO:0015356.

Submission:

Ambry Genetics
Classification: Likely pathogenic for Cardiovascular phenotype; Hereditary cancer-predisposing syndrome. Last evaluated: 2025-02-14. Review status: criteria provided, single submitter. Criteria: Ambry Variant Classification Scheme 2023. Collection method: clinical testing. Allele origin: germline.
Comment: The c.400+2T>C intronic variant results from a T to C substitution two nucleotides after coding exon 4 in the LZTR1 gene. This variant was reported in individual(s) with features consistent with LZTR1-related schwannomatosis/Noonan syndrome (Ambry internal data). This nucleotide position is highly conserved in available vertebrate species. In silico splice site analysis predicts that this alteration will weaken the native splice donor site. This variant is considered to be rare based on population cohorts in the Genome Aggregation Database (gnomAD). Based on the supporting evidence, this variant is likely pathogenic for an increased risk of LZTR1-related schwannomatosis (SWN) and would be expected to cause autosomal recessive Noonan syndrome when present along with a second pathogenic or likely pathogenic variant on the other allele; however, the association of this alteration with autosomal dominant Noonan syndrome is unlikely.